The following is an entry in ClinVar:

ClinVar aggregate classification (germline): Uncertain significance (1 of 4 stars; one submission).

Conditions:
Cardiovascular phenotype. Identifiers: MedGen CN230736.

Submission:

Ambry Genetics
Classification: Uncertain significance for Cardiovascular phenotype. Last evaluated: 2025-04-02. Review status: criteria provided, single submitter. Criteria: Ambry Variant Classification Scheme 2023. Collection method: clinical testing. Allele origin: germline.
Comment: The c.2398+3A>T intronic variant results from an A to T substitution 3 nucleotides after coding exon 9 in the KCNH2 gene. This variant was reported in individual(s) with features consistent with long QT syndrome (Napolitano C et al. JAMA, 2005 Dec;294:2975-80). This nucleotide position is well conserved in available vertebrate species. In silico splice site analysis predicts that this alteration will weaken the native splice donor site. Based on the available evidence, the clinical significance of this variant remains unclear.

Literature cited by the submitters: PubMed 16414944.

NM_000238.4(KCNH2):c.2398+3A>T

Gene: KCNH2 (potassium voltage-gated channel subfamily H member 2; minus strand). Cytogenetic location: 7q36.1.
Variant type: single nucleotide variant.
Coding change: c.2398+3A>T on transcript NM_000238.4 (MANE Select); 3 bases into the intron after coding-DNA position 2398, A replaced by T.
Molecular consequence: intron variant. On other transcripts: missense variant (5).
Genome position (GRCh38, 1-based): chr7:150,950,165, T>A on the plus strand (A>T on the coding strand, the complement: KCNH2 is on the minus strand). VCF-style: chr7-150950165-T-A. GRCh37 (hg19) VCF-style: chr7-150647253-T-A.
Other names: c.1381A>T, p.Met461Leu (NM_001204798.2); c.2224A>T, p.Met742Leu (NM_001406755.1); c.2113A>T, p.Met705Leu (NM_001406756.1); c.2101A>T, p.Met701Leu (NM_001406757.1); c.2401A>T, p.Met801Leu (NM_172056.3); c.2110+3A>T (NM_001406753.1); c.1378+3A>T (NM_172057.3); short protein forms M742L, M701L, M461L, M705L, M801L.
Identifiers: ClinVar variation 4041530 (VCV004041530.1).